The following is an entry in ClinVar:

NM_001271.4(CHD2):c.1931T>C (p.Ile644Thr)

Gene: CHD2 (chromodomain helicase DNA binding protein 2; plus strand). Cytogenetic location: 15q26.1.
Variant type: single nucleotide variant.
Coding change: c.1931T>C on transcript NM_001271.4 (MANE Select); coding-DNA position 1931, T replaced by C.
Protein change: p.Ile644Thr; replaces isoleucine 644 with threonine.
Molecular consequence: missense variant.
Genome position (GRCh38, 1-based): chr15:92,956,580, T>C. VCF-style: chr15-92956580-T-C. GRCh37 (hg19) VCF-style: chr15-93499810-T-C.
Other names: short protein forms I644T.
Identifiers: ClinVar variation 432914 (VCV000432914.2), dbSNP rs1555440889, ClinGen allele CA393906461.

ClinVar aggregate classification (germline): Uncertain significance (1 of 4 stars; one submission).

Submission:

GeneDx
Classification: Uncertain significance. Last evaluated: 2017-06-22. Review status: criteria provided, single submitter. Criteria: GeneDx Variant Classification (06012015). Collection method: clinical testing. Allele origin: germline. Affected: yes.
Comment: A variant of uncertain significance has been identified in the CHD2 gene. The I644T variant has not been published as a pathogenic variant, nor has it been reported as a benign variant to our knowledge. The I644T variant is not observed in large population cohorts (Lek et al., 2016; 1000 Genomes Consortium et al., 2015; Exome Variant Server). The I644T variant is a non-conservative amino acid substitution, which is likely to impact secondary protein structure as these residues differ in polarity, charge, size and/or other properties. This substitution occurs at a position that is conserved across species and in silico analysis predicts this variant is probably damaging to the protein structure/function. However, missense variants in nearby residues have not been reported in Human Gene Mutation Database in association with CHD2-related disorders (Stenson et al., 2014). Therefore, based on the currently available information, it is unclear whether this variant is a pathogenic variant or a rare benign variant.